The following is an entry in ClinVar:

NM_004614.5(TK2):c.755G>A (p.Arg252Gln)

Gene: TK2 (thymidine kinase 2; minus strand). Cytogenetic location: 16q21.
Variant type: single nucleotide variant.
Coding change: c.755G>A on transcript NM_004614.5 (MANE Select); coding-DNA position 755, G replaced by A.
Protein change: p.Arg252Gln; replaces arginine 252 with glutamine.
Molecular consequence: missense variant. On other transcripts: 3 prime UTR variant (1), non-coding transcript variant (1).
Genome position (GRCh38, 1-based): chr16:66,512,011, C>T on the plus strand (G>A on the coding strand, the complement: TK2 is on the minus strand). VCF-style: chr16-66512011-C-T. GRCh37 (hg19) VCF-style: chr16-66545914-C-T.
Other names: c.662G>A, p.Arg221Gln (NM_001172643.1); c.680G>A, p.Arg227Gln (NM_001172644.2); c.701G>A, p.Arg234Gln (NM_001172645.2); c.608G>A, p.Arg203Gln (NM_001271934.2); c.*52G>A (NM_001271935.1); c.464G>A, p.Arg155Gln (NM_001272050.2); short protein forms R203Q, R252Q, R155Q, R221Q, R234Q, R227Q.
Identifiers: ClinVar variation 2551891 (VCV002551891.4), dbSNP rs772329162, ClinGen allele CA8093557.

ClinVar aggregate classification (germline): Uncertain significance. Review status: criteria provided, multiple submitters, no conflicts (2 of 4 stars). 2 submissions from 2 submitters: Uncertain significance (2). Last evaluated 2026-10-02.

Conditions:
Inborn genetic diseases. Identifiers: MedGen C0950123, MeSH D030342.

Allele frequency attached by ClinVar (database versions not stated): gnomAD 0.00001; gnomAD exomes 0.00002; ExAC 0.00005; TOPMed below 0.00001.
gnomAD v4.1: 33 of 1,614,028 alleles (0.002%); highest among the groups gnomAD compares: East Asian, 0.067%; no homozygotes.

Submissions (2):

GeneDx
Classification: Uncertain significance. Last evaluated: 2026-10-02. Review status: criteria provided, single submitter. Criteria: GeneDx Variant Classification Process June 2021. Collection method: clinical testing. Allele origin: germline.
Comment: In silico analysis suggests that this missense variant does not alter protein structure/function; Has not been previously published as pathogenic or benign to our knowledge

Ambry Genetics
Classification: Uncertain significance for Inborn genetic diseases. Last evaluated: 2023-05-24. Review status: criteria provided, single submitter. Criteria: Ambry Variant Classification Scheme 2023. Collection method: clinical testing. Allele origin: germline.